The following is an entry in ClinVar:

NM_033056.4(PCDH15):c.4546_4565dup (p.Leu1522fs)

Gene: PCDH15 (protocadherin related 15; minus strand). Cytogenetic location: 10q21.1.
Variant type: Duplication.
Coding change: c.4546_4565dup on transcript NM_033056.4 (MANE Plus Clinical); coding-DNA positions 4546 to 4565, 20 bases duplicated (CTATCTGATGAGGATGACTT).
Protein change: p.Leu1522fs; shifts the reading frame from leucine 1522.
Molecular consequence: frameshift variant. On other transcripts: intron variant (8).
Genome position (GRCh38, 1-based): chr10:53,823,161-53,823,180, AAGTCATCCTCATCAGATAG duplicated on the plus strand (CTATCTGATGAGGATGACTT on the coding strand, the reverse complement: PCDH15 is on the minus strand); duplicating any 20 consecutive bases within chr10:53,823,161-53,823,182 gives the same sequence; the c. name uses the placement nearest the transcript's 3' end. VCF-style (leftmost placement, unchanged base first): chr10-53823160-T-TAAGTCATCCTCATCAGATAG. GRCh37 (hg19) VCF-style: chr10-55582920-T-TAAGTCATCCTCATCAGATAG.
Other names: c.4567_4586dup, p.Leu1529fs (NM_001142763.2); c.4552_4571dup, p.Leu1524fs (NM_001142764.2); c.4339_4358dup, p.Leu1453fs (NM_001142765.2); c.4537_4556dup, p.Leu1519fs (NM_001142766.2); c.4426_4445dup, p.Leu1482fs (NM_001142767.2); c.4486_4505dup, p.Leu1502fs (NM_001142768.2); c.4477_4496dup, p.Leu1499fs (NM_001142773.2); c.4480_4499dup, p.Leu1500fs (NM_001354404.2); and 6 more; short protein forms L1519fs, L1522fs, L1482fs, L1500fs, L1502fs, L1529fs, L1524fs, L1453fs.
Identifiers: ClinVar variation 2817932 (VCV002817932.3), dbSNP rs2492409460, ClinGen allele CA2609212699.
Genomic context (GRCh38, chr10:53,823,160, plus strand): 5'-AATGTCTGAATTTGTTGATACTTGACTTATGTTTTCCTTATAAAGGGGATTATGGGCACT[T>TAAGTCATCCTCATCAGATAG]AAGTCATCCTCATCAGATAGAAATGTGAATTTTCTTGCAGACTTCAGTTTGTTGCTCTTA-3'

ClinVar aggregate classification (germline): Pathogenic (1 of 4 stars; one submission).

Submission:

Labcorp Genetics (formerly Invitae), Labcorp
Classification: Pathogenic. Last evaluated: 2022-12-23. Review status: criteria provided, single submitter. Criteria: Invitae Variant Classification Sherloc (09022015). Collection method: clinical testing. Allele origin: germline.
Comment: This variant has not been reported in the literature in individuals affected with PCDH15-related conditions. This variant is not present in population databases (gnomAD no frequency). This sequence change creates a premature translational stop signal (p.Leu1522Phefs*8) in the PCDH15 gene. While this is not anticipated to result in nonsense mediated decay, it is expected to disrupt the last 434 amino acid(s) of the PCDH15 protein. This variant disrupts a region of the PCDH15 protein in which other variant(s) (p.Val1578Alafs*6) have been determined to be pathogenic (PMID: 33089500; Invitae). This suggests that this is a clinically significant region of the protein, and that variants that disrupt it are likely to be disease-causing. For these reasons, this variant has been classified as Pathogenic.

Literature cited by the submitters: PubMed 33089500.